The following is an entry in ClinVar:

NC_000005.10:g.(?_128530575)_(128530713_?)del

Gene: FBN2 (fibrillin 2; minus strand). Cytogenetic location: 5q23.3.
Variant type: Deletion.
Identifiers: ClinVar variation 458728 (VCV000458728.11).

ClinVar aggregate classification (germline): Uncertain significance (1 of 4 stars; one submission).

Conditions:
Congenital contractural arachnodactyly (CCA). Also called: Beals-Hecht syndrome; BEALS SYNDROME; Arthrogryposis, distal, type 9. Identifiers: Orphanet 115, MedGen C0220668, MONDO:0007363, OMIM 121050.

Submission:

Labcorp Genetics (formerly Invitae), Labcorp
Classification: Uncertain significance for Congenital contractural arachnodactyly. Last evaluated: 2022-02-03. Review status: criteria provided, single submitter. Criteria: Invitae Variant Classification Sherloc (09022015). Collection method: clinical testing. Allele origin: germline.
Comment: In summary, the available evidence is currently insufficient to determine the role of this variant in disease. Therefore, it has been classified as a Variant of Uncertain Significance. Experimental studies and prediction algorithms are not available or were not evaluated, and the functional significance of this variant is currently unknown. This variant has not been reported in the literature in individuals affected with FBN2-related conditions. This variant is a gross deletion of the genomic region encompassing exon(s) 3 of the FBN2 gene. This variant would be expected to be in-frame, preserving the integrity of the reading frame.